The following is an entry in ClinVar:

ClinVar aggregate classification (germline): Uncertain significance (1 of 4 stars; one submission).

Allele frequency attached by ClinVar (database versions not stated): TOPMed below 0.00001 and 0.00001; gnomAD 0.00001 and 0.00003.

Submission:

GeneDx
Classification: Uncertain significance. Last evaluated: 2018-11-20. Review status: criteria provided, single submitter. Criteria: GeneDx Variant Classification (06012015). Collection method: clinical testing. Allele origin: germline. Affected: yes.
Comment: The A187V variant has not been published as a pathogenic variant, nor has it been reported as a benign variant to our knowledge. The A187V variant is not observed in large population cohorts (Lek et al., 2016; 1000 Genomes Consortium et al., 2015; Exome Variant Server). The A187V variant is a conservative amino acid substitution, which is not likely to impact secondary protein structure as these residues share similar properties. This substitution occurs at a position that is not conserved. In silico analysis predicts this variant is probably damaging to the protein structure/function. In summary, based on the currently available information, it is unclear whether this variant is a pathogenic variant or a rare benign variant.

NM_182916.3(TRNT1):c.560C>T (p.Ala187Val)

Gene: TRNT1 (tRNA nucleotidyl transferase 1; plus strand). Cytogenetic location: 3p26.2.
Variant type: single nucleotide variant.
Coding change: c.560C>T on transcript NM_182916.3 (MANE Select); coding-DNA position 560, C replaced by T.
Protein change: p.Ala187Val; replaces alanine 187 with valine.
Molecular consequence: missense variant. On other transcripts: non-coding transcript variant (8).
Genome position (GRCh38, 1-based): chr3:3,144,662, C>T. VCF-style: chr3-3144662-C-T. GRCh37 (hg19) VCF-style: chr3-3186346-C-T.
Other names: c.560C>T, p.Ala187Val (LRG_1314t1, NM_001302946.2, NM_001367321.1 and 2 more transcripts); short protein forms A187V.
Identifiers: ClinVar variation 432291 (VCV000432291.2), dbSNP rs1378826731, ClinGen allele CA351445220.